The following is an entry in ClinVar:

ClinVar aggregate classification (germline): Benign. Review status: criteria provided, single submitter (1 of 4 stars). 2 submissions from 2 submitters: Benign (1). 1 of the submissions does not count toward it. Last evaluated 2025-07-01.

Conditions:
ANKRD17-related disorder. Also called: ANKRD17-related condition.

Allele frequency attached by ClinVar (database versions not stated): 1000 Genomes Project 30x 0.00031; 1000 Genomes Project 0.00040; gnomAD 0.00079; ESP Exome Variant Server 0.00100.
gnomAD v4.1: 2,095 of 1,609,220 alleles (0.13%); highest among the groups gnomAD compares: Non-Finnish European, 0.17%; 2 homozygotes.

Submissions (2):

CeGaT Center for Human Genetics Tuebingen
Classification: Benign. Last evaluated: 2025-07-01. Review status: criteria provided, single submitter. Criteria: CeGaT Center For Human Genetics Tuebingen Variant Classification Criteria Version 2. Collection method: clinical testing. Allele origin: germline. Affected: yes. Observed: 2 variant alleles.
Comment: ANKRD17: BS1, BS2

PreventionGenetics, part of Exact Sciences
Classification: Likely benign for ANKRD17-related condition. Last evaluated: 2022-02-28. Review status: no assertion criteria provided. Collection method: clinical testing. Allele origin: germline. Not counted in ClinVar's aggregate classification.
Comment: This variant is classified as likely benign based on ACMG/AMP sequence variant interpretation guidelines (Richards et al. 2015 PMID: 25741868, with internal and published modifications).

NM_032217.5(ANKRD17):c.7765C>G (p.Pro2589Ala)

Gene: ANKRD17 (ankyrin repeat domain 17; minus strand). Cytogenetic location: 4q13.3.
Variant type: single nucleotide variant.
Coding change: c.7765C>G on transcript NM_032217.5 (MANE Select); coding-DNA position 7765, C replaced by G.
Protein change: p.Pro2589Ala; replaces proline 2589 with alanine.
Molecular consequence: missense variant.
Genome position (GRCh38, 1-based): chr4:73,076,278, G>C on the plus strand (C>G on the coding strand, the complement: ANKRD17 is on the minus strand). VCF-style: chr4-73076278-G-C. GRCh37 (hg19) VCF-style: chr4-73941995-G-C.
Other names: c.7426C>G, p.Pro2476Ala (NM_001286771.3); c.7762C>G, p.Pro2588Ala (NM_015574.2); c.7012C>G, p.Pro2338Ala (NM_198889.3); short protein forms P2338A, P2476A, P2588A, P2589A.
Identifiers: ClinVar variation 3044401 (VCV003044401.10), dbSNP rs144043898, ClinGen allele CA2957717.
Genomic context (GRCh38, chr4:73,076,278, plus strand): 5'-AAGCTGATCCTCATCAGCCAAGCTGGTTCATATGCACACTGTTCATGTGAGGTGCCCAGG[G>C]TCCAGTCCACACCTATGAATATAGAGCATGCATTTTACAAAATATATATCTAGCATATAT-3'
Protein context (NP_115593.3, residues 2579-2599): NNGPQTVWTG[Pro2589Ala]WAPHMNSVHM